The following is an entry in ClinVar:

ClinVar aggregate classification (germline): Uncertain significance (1 of 4 stars; one submission).

Submission:

GeneDx
Classification: Uncertain significance. Last evaluated: 2024-02-09. Review status: criteria provided, single submitter. Criteria: GeneDx Variant Classification Process June 2021. Collection method: clinical testing. Allele origin: germline. Affected: yes.
Comment: Not observed at significant frequency in large population cohorts (gnomAD); In silico analysis supports that this missense variant has a deleterious effect on protein structure/function; Has not been previously published as pathogenic or benign to our knowledge

NM_003709.4(KLF7):c.701C>A (p.Ser234Tyr)

Gene: KLF7 (KLF transcription factor 7; minus strand). Cytogenetic location: 2q33.3.
Variant type: single nucleotide variant.
Coding change: c.701C>A on transcript NM_003709.4 (MANE Select); coding-DNA position 701, C replaced by A.
Protein change: p.Ser234Tyr; replaces serine 234 with tyrosine.
Molecular consequence: missense variant. On other transcripts: intron variant (1).
Genome position (GRCh38, 1-based): chr2:207,123,806, G>T on the plus strand (C>A on the coding strand, the complement: KLF7 is on the minus strand). VCF-style: chr2-207123806-G-T. GRCh37 (hg19) VCF-style: chr2-207988530-G-T.
Other names: c.602C>A, p.Ser201Tyr (NM_001270943.2); c.617C>A, p.Ser206Tyr (NM_001270944.2); c.531+170C>A (NM_001270942.1); short protein forms S201Y, S206Y, S234Y.
Identifiers: ClinVar variation 3368901 (VCV003368901.1).